The following is an entry in ClinVar:

ClinVar aggregate classification (germline): Benign/Likely benign. Review status: criteria provided, multiple submitters, no conflicts (2 of 4 stars). 2 submissions from 2 submitters: Benign (1); Likely benign (1). Last evaluated 2024-08-30.

Conditions:
Familial cancer of breast. Also called: hereditary breast carcinoma; Hereditary breast cancer; BREAST CANCER, FAMILIAL. Identifiers: Orphanet 227535, MedGen C0346153, MONDO:0016419, OMIM 114480. Disease mechanism: loss of function.
Fanconi anemia complementation group J. Also called: BRIP1-Related Fanconi Anemia. Identifiers: Orphanet 84, MedGen C1836860, MONDO:0012187, OMIM 609054.

Allele frequency attached by ClinVar (database versions not stated): gnomAD exomes below 0.00001.
gnomAD v4.1: 1 of 1,613,372 alleles (0.000062%); highest among the groups gnomAD compares: Non-Finnish European, 0.000085%; no homozygotes.

Submissions (2):

Myriad Genetics, Inc.
Classification: Benign for Familial cancer of breast. Last evaluated: 2024-08-30. Review status: criteria provided, single submitter. Criteria: Myriad Autosomal Dominant, Autosomal Recessive and X-Linked Classification Criteria (2023). Collection method: clinical testing. Allele origin: unknown.
Comment: This variant is considered benign. This variant is a silent/synonymous amino acid change and it is not expected to impact splicing.

Labcorp Genetics (formerly Invitae), Labcorp
Classification: Likely benign for Familial cancer of breast; Fanconi anemia complementation group J. Last evaluated: 2021-09-20. Review status: criteria provided, single submitter. Criteria: Invitae Variant Classification Sherloc (09022015). Collection method: clinical testing. Allele origin: germline.

NM_032043.3(BRIP1):c.1926A>G (p.Lys642=)

Gene: BRIP1 (BRCA1 interacting DNA helicase 1; minus strand). Cytogenetic location: 17q23.2.
Variant type: single nucleotide variant.
Coding change: c.1926A>G on transcript NM_032043.3 (MANE Select); coding-DNA position 1926, A replaced by G.
Protein change: p.Lys642=; no amino-acid change (lysine 642 retained).
Molecular consequence: synonymous variant.
Genome position (GRCh38, 1-based): chr17:61,780,270, T>C on the plus strand (A>G on the coding strand, the complement: BRIP1 is on the minus strand). VCF-style: chr17-61780270-T-C. GRCh37 (hg19) VCF-style: chr17-59857631-T-C.
Identifiers: ClinVar variation 1605937 (VCV001605937.10), dbSNP rs2145074724, ClinGen allele CA501150282.
Genomic context (GRCh38, chr17:61,780,270, plus strand): 5'-TATTGAAGTAGAAACACTGAAGGCCTTCCAAAAAAAAAAACAACAACTAACCTGTGAATT[T>C]TTAATGATATGATTAGCCTCCAGCTGGATAGTAAATGTAACACCAAGTTCTGACGAAAAG-3'
Protein context (NP_114432.2, residues 632-652): TIQLEANHII[Lys642=]NSQVWVGTIG